The following is an entry in ClinVar:

ClinVar aggregate classification (germline): Uncertain significance (1 of 4 stars; one submission).

Submission:

GeneDx
Classification: Uncertain significance. Last evaluated: 2026-03-28. Review status: criteria provided, single submitter. Criteria: GeneDx Variant Classification Process June 2021. Collection method: clinical testing. Allele origin: germline.
Comment: Not observed at significant frequency in large population cohorts (gnomAD); In silico analysis supports that this missense variant has a deleterious effect on protein structure/function; Has not been previously published as pathogenic or benign to our knowledge

NM_006922.4(SCN3A):c.4877C>T (p.Ala1626Val)

Gene: SCN3A (sodium voltage-gated channel alpha subunit 3; minus strand). Cytogenetic location: 2q24.3.
Variant type: single nucleotide variant.
Coding change: c.4877C>T on transcript NM_006922.4 (MANE Select); coding-DNA position 4877, C replaced by T.
Protein change: p.Ala1626Val; replaces alanine 1626 with valine.
Molecular consequence: missense variant.
Genome position (GRCh38, 1-based): chr2:165,091,276, G>A on the plus strand (C>T on the coding strand, the complement: SCN3A is on the minus strand). VCF-style: chr2-165091276-G-A. GRCh37 (hg19) VCF-style: chr2-165947786-G-A.
Other names: c.4730C>T, p.Ala1577Val (NM_001081676.2, NM_001081677.2); short protein forms A1577V, A1626V.
Identifiers: ClinVar variation 5017279 (VCV005017279.1).